The following is an entry in ClinVar:

ClinVar aggregate classification (germline): Uncertain significance (1 of 4 stars; one submission).

Submission:

Women's Health and Genetics/Laboratory Corporation of America, LabCorp
Classification: Uncertain significance. Last evaluated: 2024-01-15. Review status: criteria provided, single submitter. Criteria: LabCorp Variant Classification Summary - May 2015. Collection method: clinical testing. Allele origin: germline.
Comment: Variant summary: SNF1LK c.1345A>T (p.Arg449Trp) results in a non-conservative amino acid change in the encoded protein sequence. Four of five in-silico tools predict a damaging effect of the variant on protein function. The frequency data for this variant in gnomAD is considered unreliable, as metrics indicate poor data quality at this position. To our knowledge, no occurrence of c.1345A>T in individuals affected with Developmental And Epileptic Encephalopathy, 30 and no experimental evidence demonstrating its impact on protein function have been reported. No submitters have cited clinical-significance assessments for this variant to ClinVar. Based on the evidence outlined above, the variant was classified as uncertain significance.

NM_173354.5(SIK1):c.1345A>T (p.Arg449Trp)

Gene: SIK1 (salt inducible kinase 1; minus strand). Cytogenetic location: 21q22.3.
Variant type: single nucleotide variant.
Coding change: c.1345A>T on transcript NM_173354.5 (MANE Select); coding-DNA position 1345, A replaced by T.
Protein change: p.Arg449Trp; replaces arginine 449 with tryptophan.
Molecular consequence: missense variant.
Genome position (GRCh38, 1-based): chr21:43,419,138, T>A on the plus strand (A>T on the coding strand, the complement: SIK1 is on the minus strand). VCF-style: chr21-43419138-T-A. GRCh37 (hg19) VCF-style: chr21-44839018-T-A.
Other names: short protein forms R449W.
Identifiers: ClinVar variation 3063936 (VCV003063936.1), dbSNP rs763587662, ClinGen allele CA321325886.